The following is an entry in ClinVar:

NM_004082.5(DCTN1):c.1706T>A (p.Ile569Asn)

Gene: DCTN1 (dynactin subunit 1; minus strand). Cytogenetic location: 2p13.1.
Variant type: single nucleotide variant.
Coding change: c.1706T>A on transcript NM_004082.5 (MANE Select); coding-DNA position 1706, T replaced by A.
Protein change: p.Ile569Asn; replaces isoleucine 569 with asparagine.
Molecular consequence: missense variant. On other transcripts: non-coding transcript variant (1).
Genome position (GRCh38, 1-based): chr2:74,368,876, A>T on the plus strand (T>A on the coding strand, the complement: DCTN1 is on the minus strand). VCF-style: chr2-74368876-A-T. GRCh37 (hg19) VCF-style: chr2-74596003-A-T.
Other names: c.1646T>A, p.Ile549Asn (NM_001135040.3); c.1304T>A, p.Ile435Asn (NM_001135041.3, NM_023019.4); c.1595T>A, p.Ile532Asn (NM_001190836.2); c.1685T>A, p.Ile562Asn (NM_001190837.2); c.1655T>A, p.Ile552Asn (NM_001378991.1); c.1637T>A, p.Ile546Asn (NM_001378992.1); short protein forms I435N, I532N, I569N, I549N, I562N, I546N, I552N.
Identifiers: ClinVar variation 536156 (VCV000536156.9), dbSNP rs1553464828, ClinGen allele CA347356292.

ClinVar aggregate classification (germline): Uncertain significance (1 of 4 stars; one submission).

Conditions:
Amyotrophic lateral sclerosis type 1 (ALS1). Also called: AMYOTROPHIC LATERAL SCLEROSIS 1, FAMILIAL. Identifiers: Orphanet 803, MedGen C1862939, MONDO:0007103, OMIM 105400.
Neuronopathy, distal hereditary motor, type 7B. Also called: HMN VIIB; LOWER MOTOR NEURON DISEASE, DYNACTIN TYPE; Distal Hereditary Motor Neuronopathy Type 7B (dHMN7B); NEURONOPATHY, DISTAL HEREDITARY MOTOR, AUTOSOMAL DOMINANT 14; NEURONOPATHY, DISTAL HEREDITARY MOTOR, HARDING TYPE VIIB; NEUROPATHY, DISTAL HEREDITARY MOTOR, HARDING TYPE VIIB. Identifiers: Orphanet 139589, MedGen C1843315, MONDO:0011879, OMIM 607641.
Perry syndrome. Also called: PARKINSONISM WITH ALVEOLAR HYPOVENTILATION AND MENTAL DEPRESSION. Identifiers: Orphanet 178509, MedGen C1868594, MONDO:0008201, OMIM 168605.

Submission:

Labcorp Genetics (formerly Invitae), Labcorp
Classification: Uncertain significance for Amyotrophic lateral sclerosis type 1; Neuronopathy, distal hereditary motor, type 7B; Perry syndrome. Last evaluated: 2017-09-20. Review status: criteria provided, single submitter. Criteria: Invitae Variant Classification Sherloc (09022015). Collection method: clinical testing. Allele origin: germline.
Comment: This sequence change replaces isoleucine with asparagine at codon 569 of the DCTN1 protein (p.Ile569Asn). The isoleucine residue is highly conserved and there is a large physicochemical difference between isoleucine and asparagine. This variant is not present in population databases (ExAC no frequency). This variant has not been reported in the literature in individuals with DCTN1-related disease. Algorithms developed to predict the effect of missense changes on protein structure and function (SIFT, PolyPhen-2, Align-GVGD) all suggest that this variant is likely to be disruptive, but these predictions have not been confirmed by published functional studies and their clinical significance is uncertain. In summary, the available evidence is currently insufficient to determine the role of this variant in disease. Therefore, it has been classified as a Variant of Uncertain Significance.